The following is an entry in ClinVar:

NM_001005498.4(RHBDF2):c.2230C>A (p.His744Asn)

Gene: RHBDF2 (rhomboid 5 homolog 2; minus strand). Cytogenetic location: 17q25.1.
Variant type: single nucleotide variant.
Coding change: c.2230C>A on transcript NM_001005498.4 (MANE Select); coding-DNA position 2230, C replaced by A.
Protein change: p.His744Asn; replaces histidine 744 with asparagine.
Molecular consequence: missense variant. On other transcripts: non-coding transcript variant (3).
Genome position (GRCh38, 1-based): chr17:76,471,887, G>T on the plus strand (C>A on the coding strand, the complement: RHBDF2 is on the minus strand). VCF-style: chr17-76471887-G-T. GRCh37 (hg19) VCF-style: chr17-74467969-G-T.
Other names: c.2230C>A, p.His744Asn (NM_001376228.1, NM_001376229.1, NM_001376230.1); c.2317C>A, p.His773Asn (NM_024599.5); short protein forms H773N, H744N.
Identifiers: ClinVar variation 4754219 (VCV004754219.1).

ClinVar aggregate classification (germline): Uncertain significance (1 of 4 stars; one submission).

gnomAD v4.1: 8 of 1,583,044 alleles (0.00051%); highest among the groups gnomAD compares: Non-Finnish European, 0.00069%; no homozygotes.

Submission:

Labcorp Genetics (formerly Invitae), Labcorp
Classification: Uncertain significance. Last evaluated: 2025-07-29. Review status: criteria provided, single submitter. Criteria: Invitae Variant Classification Sherloc (09022015). Collection method: clinical testing. Allele origin: germline.
Comment: This sequence change replaces histidine, which is basic and polar, with asparagine, which is neutral and polar, at codon 773 of the RHBDF2 protein (p.His773Asn). This variant is not present in population databases (gnomAD no frequency). This variant has not been reported in the literature in individuals affected with RHBDF2-related conditions. An algorithm developed to predict the effect of missense changes on protein structure and function (PolyPhen-2) suggests that this variant is likely to be disruptive. In summary, the available evidence is currently insufficient to determine the role of this variant in disease. Therefore, it has been classified as a Variant of Uncertain Significance.